The following is an entry in ClinVar:

ClinVar aggregate classification (germline): Uncertain significance (1 of 4 stars; one submission).

Conditions:
Glycogen storage disease type III (GSD3). Also called: Cori disease; FORBES DISEASE. Identifiers: Orphanet 366, MedGen C0017922, MONDO:0009291, OMIM 232400.

Submission:

Labcorp Genetics (formerly Invitae), Labcorp
Classification: Uncertain significance for Glycogen storage disease type III. Last evaluated: 2023-11-13. Review status: criteria provided, single submitter. Criteria: Invitae Variant Classification Sherloc (09022015). Collection method: clinical testing. Allele origin: germline.
Comment: This sequence change replaces alanine, which is neutral and non-polar, with glycine, which is neutral and non-polar, at codon 134 of the AGL protein (p.Ala134Gly). This variant is not present in population databases (gnomAD no frequency). This variant has not been reported in the literature in individuals affected with AGL-related conditions. ClinVar contains an entry for this variant (Variation ID: 2123770). Advanced modeling of protein sequence and biophysical properties (such as structural, functional, and spatial information, amino acid conservation, physicochemical variation, residue mobility, and thermodynamic stability) performed at Invitae indicates that this missense variant is not expected to disrupt AGL protein function with a negative predictive value of 80%. Algorithms developed to predict the effect of sequence changes on RNA splicing suggest that this variant may disrupt the consensus splice site. In summary, the available evidence is currently insufficient to determine the role of this variant in disease. Therefore, it has been classified as a Variant of Uncertain Significance.

NM_000642.3(AGL):c.401C>G (p.Ala134Gly)

Gene: AGL (amylo-alpha-1,6-glucosidase and 4-alpha-glucanotransferase; plus strand). Cytogenetic location: 1p21.2.
Variant type: single nucleotide variant.
Coding change: c.401C>G on transcript NM_000642.3 (MANE Select); coding-DNA position 401, C replaced by G.
Protein change: p.Ala134Gly; replaces alanine 134 with glycine.
Molecular consequence: missense variant.
Genome position (GRCh38, 1-based): chr1:99,862,364, C>G. VCF-style: chr1-99862364-C-G. GRCh37 (hg19) VCF-style: chr1-100327920-C-G.
Other names: c.401C>G, p.Ala134Gly (NM_000028.3, NM_000643.3, NM_000644.3 and 5 more transcripts); c.353C>G, p.Ala118Gly (NM_000646.3); short protein forms A118G, A134G.
Identifiers: ClinVar variation 2123770 (VCV002123770.4), dbSNP rs2524499029, ClinGen allele CA341332083.
Genomic context (GRCh38, chr1:99,862,364, plus strand): 5'-GTGTTGGTGCTGATAATCATGTGCTACCCTTGGACTGTGTTACTCTTCAGACATTTTTAG[C>G]TAAGTGTTTGGGACCTTTTGATGAATGGGAAAGCAGACTTAGGGTTGCAAAAGAATCAGG-3'
Protein context (NP_000633.2, residues 124-144): LDCVTLQTFL[Ala134Gly]KCLGPFDEWE